The following is an entry in ClinVar:

NM_015450.3(POT1):c.598G>C (p.Asp200His)

Gene: POT1 (protection of telomeres 1; minus strand). Cytogenetic location: 7q31.33.
Variant type: single nucleotide variant.
Coding change: c.598G>C on transcript NM_015450.3 (MANE Select); coding-DNA position 598, G replaced by C.
Protein change: p.Asp200His; replaces aspartic acid 200 with histidine.
Molecular consequence: missense variant. On other transcripts: non-coding transcript variant (3).
Genome position (GRCh38, 1-based): chr7:124,859,061, C>G on the plus strand (G>C on the coding strand, the complement: POT1 is on the minus strand). VCF-style: chr7-124859061-C-G. GRCh37 (hg19) VCF-style: chr7-124499115-C-G.
Other names: c.205G>C, p.Asp69His (NM_001042594.2); short protein forms D200H, D69H.
Identifiers: ClinVar variation 4824169 (VCV004824169.1).

ClinVar aggregate classification (germline): Uncertain significance (1 of 4 stars; one submission).

Conditions:
Hereditary cancer-predisposing syndrome. Also called: Neoplastic Syndromes, Hereditary; Hereditary neoplastic syndrome; Tumor predisposition; Hereditary Cancer Syndrome. Identifiers: Orphanet 140162, MedGen C0027672, MeSH D009386, MONDO:0015356.

Submission:

Ambry Genetics
Classification: Uncertain significance for Hereditary cancer-predisposing syndrome. Last evaluated: 2026-02-18. Review status: criteria provided, single submitter. Criteria: Ambry Variant Classification Scheme 2023. Collection method: clinical testing. Allele origin: germline.
Comment: The p.D200H variant (also known as c.598G>C), located in coding exon 5 of the POT1 gene, results from a G to C substitution at nucleotide position 598. The aspartic acid at codon 200 is replaced by histidine, an amino acid with similar properties. This amino acid position is conserved. In addition, this alteration is predicted to be tolerated by in silico analysis. Based on the available evidence, the clinical significance of this variant remains unclear.